The following is an entry in ClinVar:

ClinVar aggregate classification (germline): Uncertain significance (1 of 4 stars; one submission).

Conditions:
Inborn genetic diseases. Identifiers: MedGen C0950123, MeSH D030342.

Allele frequency attached by ClinVar (database versions not stated): TOPMed below 0.00001; gnomAD exomes 0.00001.
gnomAD v4.1: 18 of 1,613,580 alleles (0.0011%); highest among the groups gnomAD compares: South Asian, 0.0022%; no homozygotes.

Submission:

Ambry Genetics
Classification: Uncertain significance for Inborn genetic diseases. Last evaluated: 2021-04-20. Review status: criteria provided, single submitter. Criteria: Ambry Variant Classification Scheme 2023. Collection method: clinical testing. Allele origin: germline.
Comment: The c.5386G>A (p.D1796N) alteration is located in exon 33 (coding exon 33) of the CAD gene. This alteration results from a G to A substitution at nucleotide position 5386, causing the aspartic acid (D) at amino acid position 1796 to be replaced by an asparagine (N). The in silico prediction for the p.D1796N alteration is inconclusive. Based on insufficient or conflicting evidence, the clinical significance of this alteration remains unclear.

NM_004341.5(CAD):c.5386G>A (p.Asp1796Asn)

Gene: CAD (carbamoyl-phosphate synthetase 2, aspartate transcarbamylase, and dihydroorotase; plus strand). Cytogenetic location: 2p23.3.
Variant type: single nucleotide variant.
Coding change: c.5386G>A on transcript NM_004341.5 (MANE Select); coding-DNA position 5386, G replaced by A.
Protein change: p.Asp1796Asn; replaces aspartic acid 1796 with asparagine.
Molecular consequence: missense variant.
Genome position (GRCh38, 1-based): chr2:27,239,463, G>A. VCF-style: chr2-27239463-G-A. GRCh37 (hg19) VCF-style: chr2-27462331-G-A.
Other names: c.5197G>A, p.Asp1733Asn (NM_001306079.2); short protein forms D1733N, D1796N.
Identifiers: ClinVar variation 2229968 (VCV002229968.2), dbSNP rs1676190443, ClinGen allele CA346222735.
Genomic context (GRCh38, chr2:27,239,463, plus strand): 5'-GGGCAGAAAGTGAAGGGCACCGTCCGCCGTGTGGTCCTGCGAGGGGAGGTTGCCTATATC[G>A]ATGGGCAGGTACGCAAGTAGCCCCTGCCTGATCTCAGTAGTGCCCTCTTCTGCACCACGT-3'
Protein context (NP_004332.2, residues 1786-1806): VVLRGEVAYI[Asp1796Asn]GQVLVPPGYG